The following is an entry in ClinVar:

NM_024675.4(PALB2):c.152C>G (p.Thr51Arg)

Gene: PALB2 (partner and localizer of BRCA2; minus strand). Cytogenetic location: 16p12.2.
Variant type: single nucleotide variant.
Coding change: c.152C>G on transcript NM_024675.4 (MANE Select); coding-DNA position 152, C replaced by G.
Protein change: p.Thr51Arg; replaces threonine 51 with arginine.
Molecular consequence: missense variant. On other transcripts: 5 prime UTR variant (8), intron variant (3).
Genome position (GRCh38, 1-based): chr16:23,637,909, G>C on the plus strand (C>G on the coding strand, the complement: PALB2 is on the minus strand). VCF-style: chr16-23637909-G-C. GRCh37 (hg19) VCF-style: chr16-23649230-G-C.
Other names: c.152C>G, p.Thr51Arg (NM_001407297.1, NM_001407298.1, NM_001407299.1 and 3 more transcripts); c.-734C>G (NM_001407304.1, NM_001407305.1, NM_001407306.1 and 5 more transcripts); c.92C>G, p.Thr31Arg (NM_001407296.1); c.48+3201C>G (NM_001407314.1); c.-105+3201C>G (NM_001407313.1, NM_001407312.1); short protein forms T51R, T31R.
Identifiers: ClinVar variation 5026199 (VCV005026199.1).
Genomic context (GRCh38, chr16:23,637,909, plus strand): 5'-CCTGAGTGTTTTAGCTGCGGTGAGAGATCCTGCTGAGACAAACAATCTTGTTCTTCTACT[G>C]TTTTCTTAATAGAATGCTTAATCTTTTCAGCTCTTTGGGCACGCTAGAGGAGACAAAAAC-3'
Protein context (NP_078951.2, residues 41-61): AEKIKHSIKK[Thr51Arg]VEEQDCLSQQ

ClinVar aggregate classification (germline): Uncertain significance (1 of 4 stars; one submission).

Conditions:
Hereditary cancer-predisposing syndrome. Also called: Neoplastic Syndromes, Hereditary; Tumor predisposition; Hereditary neoplastic syndrome; Hereditary Cancer Syndrome. Identifiers: Orphanet 140162, MedGen C0027672, MeSH D009386, MONDO:0015356.

Submission:

Ambry Genetics
Classification: Uncertain significance for Hereditary cancer-predisposing syndrome. Last evaluated: 2026-08-31. Review status: criteria provided, single submitter. Criteria: Ambry Variant Classification Scheme 2023. Collection method: clinical testing. Allele origin: germline.
Comment: The p.T51R variant (also known as c.152C>G), located in coding exon 3 of the PALB2 gene, results from a C to G substitution at nucleotide position 152. The threonine at codon 51 is replaced by arginine, an amino acid with similar properties. This amino acid position is conserved. In addition, this alteration is predicted to be tolerated by in silico analysis. Based on the available evidence, the clinical significance of this variant remains unclear.